The following is an entry in ClinVar:

ClinVar aggregate classification (germline): Uncertain significance. Review status: criteria provided, multiple submitters, no conflicts (2 of 4 stars). 2 submissions from 2 submitters: Uncertain significance (2). Last evaluated 2025-05-13.

Allele frequency attached by ClinVar (database versions not stated): ExAC 0.00002; gnomAD exomes 0.00002.
gnomAD v4.1: 17 of 1,614,136 alleles (0.0011%); highest among the groups gnomAD compares: South Asian, 0.016%; no homozygotes.

Submissions (2):

Ambry Genetics
Classification: Uncertain significance. Last evaluated: 2025-05-13. Review status: criteria provided, single submitter. Criteria: Ambry Variant Classification Scheme 2023. Collection method: clinical testing. Allele origin: germline.

Labcorp Genetics (formerly Invitae), Labcorp
Classification: Uncertain significance. Last evaluated: 2020-12-18. Review status: criteria provided, single submitter. Criteria: Invitae Variant Classification Sherloc (09022015). Collection method: clinical testing. Allele origin: germline.
Comment: In summary, the available evidence is currently insufficient to determine the role of this variant in disease. Therefore, it has been classified as a Variant of Uncertain Significance. This sequence change replaces leucine with valine at codon 258 of the RNF31 protein (p.Leu258Val). The leucine residue is weakly conserved and there is a small physicochemical difference between leucine and valine. This variant is present in population databases (rs755146864, ExAC 0.006%). This variant has not been reported in the literature in individuals with RNF31-related conditions. Algorithms developed to predict the effect of missense changes on protein structure and function output the following: SIFT: "Tolerated"; PolyPhen-2: "Benign"; Align-GVGD: "Class C0". The valine amino acid residue is found in multiple mammalian species, suggesting that this missense change does not adversely affect protein function. These predictions have not been confirmed by published functional studies and their clinical significance is uncertain.

NM_017999.5(RNF31):c.772C>G (p.Leu258Val)

Gene: RNF31 (ring finger protein 31; plus strand). Cytogenetic location: 14q12.
Variant type: single nucleotide variant.
Coding change: c.772C>G on transcript NM_017999.5 (MANE Select); coding-DNA position 772, C replaced by G.
Protein change: p.Leu258Val; replaces leucine 258 with valine.
Molecular consequence: missense variant.
Genome position (GRCh38, 1-based): chr14:24,149,546, C>G. VCF-style: chr14-24149546-C-G. GRCh37 (hg19) VCF-style: chr14-24618755-C-G.
Other names: c.319C>G, p.Leu107Val (NM_001310332.2); c.772C>G (NM_017999.4); short protein forms L258V, L107V.
Identifiers: ClinVar variation 1429173 (VCV001429173.9), dbSNP rs755146864, ClinGen allele CA7125614.